The following is an entry in ClinVar:

ClinVar aggregate classification (germline): Uncertain significance (1 of 4 stars; one submission).

Submission:

Women's Health and Genetics/Laboratory Corporation of America, LabCorp
Classification: Uncertain significance. Last evaluated: 2025-11-25. Review status: criteria provided, single submitter. Criteria: LabCorp Variant Classification Summary - May 2015. Collection method: clinical testing. Allele origin: germline.
Comment: Variant summary: CEBPE c.512C>G (p.Ala171Gly) results in a non-conservative amino acid change in the encoded protein sequence. Algorithms developed to predict the effect of missense changes on protein structure and function are either unavailable or do not agree on the potential impact of this missense change. Consensus agreement among computation tools predict no significant impact on normal splicing. However, these predictions have yet to be confirmed by functional studies. The variant was absent in 236882 control chromosomes. The available data on variant occurrences in the general population are insufficient to allow any conclusion about variant significance. To our knowledge, no occurrence of c.512C>G in individuals affected with CEBPE-related conditions and no experimental evidence demonstrating its impact on protein function have been reported. No submitters have cited clinical-significance assessments for this variant to ClinVar. Based on the evidence outlined above, the variant was classified as uncertain significance.

NM_001805.4(CEBPE):c.512C>G (p.Ala171Gly)

Gene: CEBPE (CCAAT enhancer binding protein epsilon; minus strand). Cytogenetic location: 14q11.2.
Variant type: single nucleotide variant.
Coding change: c.512C>G on transcript NM_001805.4 (MANE Select); coding-DNA position 512, C replaced by G.
Protein change: p.Ala171Gly; replaces alanine 171 with glycine.
Molecular consequence: missense variant.
Genome position (GRCh38, 1-based): chr14:23,117,821, G>C on the plus strand (C>G on the coding strand, the complement: CEBPE is on the minus strand). VCF-style: chr14-23117821-G-C. GRCh37 (hg19) VCF-style: chr14-23587030-G-C.
Other names: short protein forms A171G.
Identifiers: ClinVar variation 4537208 (VCV004537208.1).